The following is an entry in ClinVar:

NM_000478.6(ALPL):c.865C>T (p.Leu289Phe)

Gene: ALPL (alkaline phosphatase, biomineralization associated; plus strand). Cytogenetic location: 1p36.12.
Variant type: single nucleotide variant.
Coding change: c.865C>T on transcript NM_000478.6 (MANE Select); coding-DNA position 865, C replaced by T.
Protein change: p.Leu289Phe; replaces leucine 289 with phenylalanine.
Molecular consequence: missense variant.
Genome position (GRCh38, 1-based): chr1:21,573,667, C>T. VCF-style: chr1-21573667-C-T. GRCh37 (hg19) VCF-style: chr1-21900160-C-T.
Other names: c.700C>T, p.Leu234Phe (NM_001127501.4); c.634C>T, p.Leu212Phe (NM_001177520.3); c.865C>T, p.Leu289Phe (NM_001369803.2, NM_001369804.2, NM_001369805.2); short protein forms L212F, L234F, L289F.
Identifiers: ClinVar variation 4086839 (VCV004086839.1).
Genomic context (GRCh38, chr1:21,573,667, plus strand): 5'-GTCCTCCTAGCCGGGTCACAGCCTCTCAGCATCCACATCCTCCTGGCGTCCTCCTCAGGT[C>T]TCTTCGAGCCAGGGGACATGCAGTACGAGCTGAACAGGAACAACGTGACGGACCCGTCAC-3'
Protein context (NP_000469.3, residues 279-299): DPHNVDYLLG[Leu289Phe]FEPGDMQYEL

ClinVar aggregate classification (germline): Likely pathogenic (1 of 4 stars; one submission).

Conditions:
Hypophosphatasia. Also called: Phosphoethanol-aminuria. Identifiers: Orphanet 436, MedGen C0020630, MeSH D007014, MONDO:0018570.

gnomAD v4.1: 1 of 1,613,812 alleles (0.000062%); highest among the groups gnomAD compares: Non-Finnish European, 0.000085%; no homozygotes.

Submission:

Genomenon, Inc
Classification: Likely pathogenic for Hypophosphatasia. Last evaluated: 2025-08-29. Review status: criteria provided, single submitter. Criteria: Genomenon Sequence Variant Interpretation Standards. Collection method: curation. Allele origin: germline. Affected: yes.
Comment: ALPL c.865C>T is a missense variant that changes the amino acid at residue 289 from Leucine to Phenylalanine. This variant has been observed in a proband affected with hypophosphatasia (PMID:9747027). It has been observed in trans with a pathogenic variant (PMID:9747027). Functional studies have been reported;however, the significance of the findings remain unclear (PMID:9747027). It is absent or not present at a significant frequency in gnomAD. In silico models agree that this variant is possibly or probably damaging. In conclusion, we classify ALPL p.Leu289Phe (c.865C>T) as a likely pathogenic variant.

Literature cited by the submitters: PubMed 9747027.